The following is an entry in ClinVar:

NM_001164508.2(NEB):c.4543A>T (p.Lys1515Ter)

Gene: NEB (nebulin; minus strand). Cytogenetic location: 2q23.3.
Variant type: single nucleotide variant.
Coding change: c.4543A>T on transcript NM_001164508.2 (MANE Select); coding-DNA position 4543, A replaced by T.
Protein change: p.Lys1515Ter; replaces lysine 1515 with a stop codon.
Molecular consequence: nonsense.
Genome position (GRCh38, 1-based): chr2:151,669,095, T>A on the plus strand (A>T on the coding strand, the complement: NEB is on the minus strand). VCF-style: chr2-151669095-T-A. GRCh37 (hg19) VCF-style: chr2-152525609-T-A.
Other names: c.4543A>T, p.Lys1515Ter (NM_001164507.2, NM_001271208.2, NM_004543.5); short protein forms K1515*.
Identifiers: ClinVar variation 1725700 (VCV001725700.2), dbSNP rs1220058715, ClinGen allele CA348815083.

ClinVar aggregate classification (germline): Likely pathogenic (1 of 4 stars; one submission).

Conditions:
Nemaline myopathy 2 (NEM2). Also called: Nemaline myopathy 2, autosomal recessive. Identifiers: MedGen C1850569, MONDO:0009725, OMIM 256030.

Submission:

Myriad Genetics, Inc.
Classification: Likely pathogenic for Nemaline myopathy 2. Last evaluated: 2021-12-05. Review status: criteria provided, single submitter. Criteria: Myriad Women's Health Autosomal Recessive and X-Linked Classification Criteria (2021). Collection method: clinical testing. Allele origin: unknown.
Comment: NM_001271208.1(NEB):c.4543A>T(K1515*) is expected to be pathogenic in the context of NEB-related nemaline myopathy. This variant is predicted to lead to an abnormal or absent protein product due to the creation of a premature termination codon in NEB, a gene where loss-of-function variants are known to be pathogenic. Please note: this variant was assessed in the context of healthy population screening.